The following is an entry in ClinVar:

ClinVar aggregate classification (germline): Uncertain significance (1 of 4 stars; one submission).

Submission:

Ambry Genetics
Classification: Uncertain significance. Last evaluated: 2026-01-24. Review status: criteria provided, single submitter. Criteria: Ambry Variant Classification Scheme 2023. Collection method: clinical testing. Allele origin: germline.
Comment: The p.A21P variant (also known as c.61G>C), located in coding exon 1 of the PKP4 gene, results from a G to C substitution at nucleotide position 61. The alanine at codon 21 is replaced by proline, an amino acid with highly similar properties. This amino acid position is conserved. In addition, this alteration is predicted to be tolerated by in silico analysis. Based on the available evidence, the clinical significance of this variant remains unclear.

NM_003628.6(PKP4):c.61G>C (p.Ala21Pro)

Gene: PKP4 (plakophilin 4; plus strand). Cytogenetic location: 2q24.1.
Variant type: single nucleotide variant.
Coding change: c.61G>C on transcript NM_003628.6 (MANE Select); coding-DNA position 61, G replaced by C.
Protein change: p.Ala21Pro; replaces alanine 21 with proline.
Molecular consequence: missense variant. On other transcripts: 5 prime UTR variant (1).
Genome position (GRCh38, 1-based): chr2:158,533,245, G>C. VCF-style: chr2-158533245-G-C. GRCh37 (hg19) VCF-style: chr2-159389757-G-C.
Other names: c.61G>C, p.Ala21Pro (NM_001377226.1, NM_001005476.4, NM_001304969.3 and 9 more transcripts); c.-889G>C (NM_001304970.3); short protein forms A21P.
Identifiers: ClinVar variation 4844315 (VCV004844315.1).